The following is an entry in ClinVar:

ClinVar aggregate classification (germline): Uncertain significance (1 of 4 stars; one submission).

Conditions:
Hereditary cancer-predisposing syndrome. Also called: Neoplastic Syndromes, Hereditary; Tumor predisposition; Hereditary Cancer Syndrome; Hereditary neoplastic syndrome. Identifiers: Orphanet 140162, MedGen C0027672, MeSH D009386, MONDO:0015356.

gnomAD v4.1: 1 of 1,614,096 alleles (0.000062%); highest among the groups gnomAD compares: Non-Finnish European, 0.000085%; no homozygotes.

Submission:

Color Diagnostics, LLC DBA Color Health
Classification: Uncertain significance for Hereditary cancer-predisposing syndrome. Last evaluated: 2025-02-23. Review status: criteria provided, single submitter. Criteria: ACMG Guidelines, 2015. Collection method: clinical testing. Allele origin: germline.
Comment: This missense variant replaces histidine with glutamine at codon 1076 of the PALB2 protein. Computational prediction suggests that this variant may not impact protein structure and function (internally defined REVEL score threshold <= 0.5, PMID: 27666373). To our knowledge, functional studies have not been reported for this variant. This variant has not been reported in individuals affected with PALB2-related disorders in the literature. This variant has been identified in 1/251474 chromosomes in the general population by the Genome Aggregation Database (gnomAD). The available evidence is insufficient to determine the role of this variant in disease conclusively. Therefore, this variant is classified as a Variant of Uncertain Significance.

NM_024675.4(PALB2):c.3228T>A (p.His1076Gln)

Gene: PALB2 (partner and localizer of BRCA2; minus strand). Cytogenetic location: 16p12.2.
Variant type: single nucleotide variant.
Coding change: c.3228T>A on transcript NM_024675.4 (MANE Select); coding-DNA position 3228, T replaced by A.
Protein change: p.His1076Gln; replaces histidine 1076 with glutamine.
Molecular consequence: missense variant. On other transcripts: intron variant (8).
Genome position (GRCh38, 1-based): chr16:23,607,986, A>T on the plus strand (T>A on the coding strand, the complement: PALB2 is on the minus strand). VCF-style: chr16-23607986-A-T. GRCh37 (hg19) VCF-style: chr16-23619307-A-T.
Other names: c.3168T>A, p.His1056Gln (NM_001407296.1); c.3156T>A, p.His1052Gln (NM_001407297.1); c.3066T>A, p.His1022Gln (NM_001407298.1); c.2949T>A, p.His983Gln (NM_001407300.1); c.2343T>A, p.His781Gln (NM_001407304.1, NM_001407305.1, NM_001407306.1); c.2181T>A, p.His727Gln (NM_001407307.1); c.1440T>A, p.His480Gln (NM_001407312.1); c.762T>A, p.His254Gln (NM_001407314.1); and 6 more; short protein forms H1022Q, H1052Q, H1056Q, H1076Q, H254Q, H480Q, H727Q, H781Q.
Identifiers: ClinVar variation 3893993 (VCV003893993.1).